The following is an entry in ClinVar:

ClinVar aggregate classification (germline): Uncertain significance (1 of 4 stars; one submission).

Conditions:
Hereditary cancer-predisposing syndrome. Also called: Hereditary Cancer Syndrome; Neoplastic Syndromes, Hereditary; Tumor predisposition; Hereditary neoplastic syndrome. Identifiers: Orphanet 140162, MedGen C0027672, MeSH D009386, MONDO:0015356.

Submission:

Ambry Genetics
Classification: Uncertain significance for Hereditary cancer-predisposing syndrome. Last evaluated: 2026-08-12. Review status: criteria provided, single submitter. Criteria: Ambry Variant Classification Scheme 2023. Collection method: clinical testing. Allele origin: germline.
Comment: The p.E84K variant (also known as c.250G>A), located in coding exon 1 of the CHEK2 gene, results from a G to A substitution at nucleotide position 250. The glutamic acid at codon 84 is replaced by lysine, an amino acid with similar properties. This amino acid position is conserved on limited sequence alignment. In addition, this alteration is predicted to be tolerated by in silico analysis. Based on the available evidence, the clinical significance of this variant remains unclear.

NM_007194.4(CHEK2):c.250G>A (p.Glu84Lys)

Gene: CHEK2 (checkpoint kinase 2; minus strand). Cytogenetic location: 22q12.1.
Variant type: single nucleotide variant.
Coding change: c.250G>A on transcript NM_007194.4 (MANE Select); coding-DNA position 250, G replaced by A.
Protein change: p.Glu84Lys; replaces glutamic acid 84 with lysine.
Molecular consequence: missense variant. On other transcripts: 5 prime UTR variant (1), intron variant (1).
Genome position (GRCh38, 1-based): chr22:28,734,472, C>T on the plus strand (G>A on the coding strand, the complement: CHEK2 is on the minus strand). VCF-style: chr22-28734472-C-T. GRCh37 (hg19) VCF-style: chr22-29130460-C-T.
Other names: c.250G>A, p.Glu84Lys (NM_001005735.3, NM_001349956.3, NM_001438293.1 and 3 more transcripts); c.-528G>A (NM_001257387.3); c.-345+7297G>A (NM_001437942.1); short protein forms E84K.
Identifiers: ClinVar variation 5034538 (VCV005034538.1).